The following is an entry in ClinVar:

ClinVar aggregate classification (germline): Uncertain significance. Review status: criteria provided, multiple submitters, no conflicts (2 of 4 stars). 2 submissions from 2 submitters: Uncertain significance (2). Last evaluated 2025-09-10.

Conditions:
Catecholaminergic polymorphic ventricular tachycardia (CVPT). Also called: Catecholamine-induced polymorphic ventricular tachycardia. Identifiers: Orphanet 3286, MedGen C5574922, MONDO:0017990.
Catecholaminergic polymorphic ventricular tachycardia 1. Also called: VENTRICULAR TACHYCARDIA, CATECHOLAMINERGIC POLYMORPHIC, 1, WITH OR WITHOUT ATRIAL DYSFUNCTION AND/OR DILATED CARDIOMYOPATHY; VENTRICULAR TACHYCARDIA, STRESS-INDUCED POLYMORPHIC 1; RYR2-Related Catecholaminergic Polymorphic Ventricular Tachycardia. Identifiers: Orphanet 3286, MedGen C1631597, MONDO:0011484, OMIM 604772.

Submissions (2):

Labcorp Genetics (formerly Invitae), Labcorp
Classification: Uncertain significance for Catecholaminergic polymorphic ventricular tachycardia 1. Last evaluated: 2025-09-10. Review status: criteria provided, single submitter. Criteria: Invitae Variant Classification Sherloc (09022015). Collection method: clinical testing. Allele origin: germline.
Comment: This sequence change replaces lysine, which is basic and polar, with asparagine, which is neutral and polar, at codon 2619 of the RYR2 protein (p.Lys2619Asn). This variant is not present in population databases (gnomAD no frequency). This variant has not been reported in the literature in individuals affected with RYR2-related conditions. ClinVar contains an entry for this variant (Variation ID: 3385784). Invitae Evidence Modeling of protein sequence and biophysical properties (such as structural, functional, and spatial information, amino acid conservation, physicochemical variation, residue mobility, and thermodynamic stability) indicates that this missense variant is expected to disrupt RYR2 protein function with a positive predictive value of 95%. In summary, the available evidence is currently insufficient to determine the role of this variant in disease. Therefore, it has been classified as a Variant of Uncertain Significance.

All of Us Research Program, National Institutes of Health
Classification: Uncertain significance for Catecholaminergic polymorphic ventricular tachycardia. Last evaluated: 2024-03-24. Review status: criteria provided, single submitter. Criteria: ACMG Guidelines, 2015. Collection method: clinical testing. Allele origin: germline. Inheritance: Autosomal dominant inheritance. Observed: 1 variant allele, 1 heterozygote.
Comment: This missense variant replaces lysine with asparagine at codon 2619 of the RYR2 protein. Computational prediction suggests that this variant may have deleterious impact on protein structure and function (internally defined REVEL score threshold >= 0.7, PMID: 27666373). To our knowledge, functional studies have not been reported for this variant. This variant has not been reported in individuals affected with RYR2-related disorders in the literature. This variant has not been identified in the general population by the Genome Aggregation Database (gnomAD). The available evidence is insufficient to determine the role of this variant in disease conclusively. Therefore, this variant is classified as a Variant of Uncertain Significance.

This study involves interpretation of variants in research participants for the purpose of population health screening. Participant phenotype was not available at the time of variant classification. Additional details can be found in publication PMID: 35346344, PMCID: PMC8962531

NM_001035.3(RYR2):c.7857A>C (p.Lys2619Asn)

Gene: RYR2 (ryanodine receptor 2; plus strand). Cytogenetic location: 1q43.
Variant type: single nucleotide variant.
Coding change: c.7857A>C on transcript NM_001035.3 (MANE Select); coding-DNA position 7857, A replaced by C.
Protein change: p.Lys2619Asn; replaces lysine 2619 with asparagine.
Molecular consequence: missense variant.
Genome position (GRCh38, 1-based): chr1:237,654,306, A>C. VCF-style: chr1-237654306-A-C. GRCh37 (hg19) VCF-style: chr1-237817606-A-C.
Other names: short protein forms K2619N.
Identifiers: ClinVar variation 3385784 (VCV003385784.3).